The following is an entry in ClinVar:

NM_018255.4(ELP2):c.1095G>A (p.Leu365=)

Gene: ELP2 (elongator acetyltransferase complex subunit 2; plus strand). Cytogenetic location: 18q12.2.
Variant type: single nucleotide variant.
Coding change: c.1095G>A on transcript NM_018255.4 (MANE Select); coding-DNA position 1095, G replaced by A.
Protein change: p.Leu365=; no amino-acid change (leucine 365 retained).
Molecular consequence: synonymous variant. On other transcripts: non-coding transcript variant (4), intron variant (3).
Genome position (GRCh38, 1-based): chr18:36,146,351, G>A. VCF-style: chr18-36146351-G-A. GRCh37 (hg19) VCF-style: chr18-33726314-G-A.
Other names: c.1290G>A, p.Leu430= (NM_001242875.3); c.1017G>A, p.Leu339= (NM_001242877.3); c.885G>A, p.Leu295= (NM_001242879.3); c.1212G>A, p.Leu404= (NM_001324466.2); c.1095G>A, p.Leu365= (NM_001324467.2); c.648G>A, p.Leu216= (NM_001324468.2); c.993+303G>A (NM_001324465.2); c.1110+303G>A (NM_001242876.3); and 1 more.
Identifiers: ClinVar variation 2572298 (VCV002572298.1), dbSNP rs143713231, ClinGen allele CA8939846.

ClinVar aggregate classification (germline): Uncertain significance (1 of 4 stars; one submission).

Allele frequency attached by ClinVar (database versions not stated): gnomAD exomes 0.00003; ExAC 0.00012; 1000 Genomes Project 30x 0.00016; 1000 Genomes Project 0.00020; gnomAD 0.00026; ESP Exome Variant Server 0.00031; TOPMed 0.00031.
gnomAD v4.1: 80 of 1,614,066 alleles (0.005%); highest among the groups gnomAD compares: African/African-American, 0.1%; no homozygotes.

Submission:

Greenwood Genetic Center Diagnostic Laboratories, Greenwood Genetic Center
Classification: Uncertain significance. Last evaluated: 2023-06-27. Review status: criteria provided, single submitter. Criteria: ACMG Guidelines, 2015. Collection method: clinical testing. Allele origin: germline. Affected: yes.
Comment: PM2, PM3